The following is an entry in ClinVar:

ClinVar aggregate classification (germline): Uncertain significance. Review status: criteria provided, multiple submitters, no conflicts (2 of 4 stars). 2 submissions from 2 submitters: Uncertain significance (2). Last evaluated 2025-12-10.

Conditions:
Familial adenomatous polyposis 2. Also called: Adenomas, multiple colorectal; MUTYH Polyposis; COLORECTAL ADENOMATOUS POLYPOSIS, AUTOSOMAL RECESSIVE; ADENOMAS, MULTIPLE COLORECTAL, AUTOSOMAL RECESSIVE; FAP type 2; MUTYH-associated polyposis. Identifiers: Orphanet 220460, Orphanet 247798, MedGen C3272841, MONDO:0012041, OMIM 608456.
Hereditary cancer-predisposing syndrome. Also called: Neoplastic Syndromes, Hereditary; Hereditary Cancer Syndrome; Hereditary neoplastic syndrome; Tumor predisposition. Identifiers: Orphanet 140162, MedGen C0027672, MeSH D009386, MONDO:0015356.

Allele frequency attached by ClinVar (database versions not stated): gnomAD exomes below 0.00001; ExAC 0.00001; gnomAD 0.00001; TOPMed 0.00001; ESP Exome Variant Server 0.00008.

Submissions (2):

Labcorp Genetics (formerly Invitae), Labcorp
Classification: Uncertain significance for Familial adenomatous polyposis 2. Last evaluated: 2025-12-10. Review status: criteria provided, single submitter. Criteria: Invitae Variant Classification Sherloc (09022015). Collection method: clinical testing. Allele origin: germline.
Comment: This sequence change falls in intron 2 of the MUTYH gene. It does not directly change the encoded amino acid sequence of the MUTYH protein. It affects a nucleotide within the consensus splice site. This variant is present in population databases (rs377223870, gnomAD 0.008%). This variant has not been reported in the literature in individuals affected with MUTYH-related conditions. ClinVar contains an entry for this variant (Variation ID: 1053329). Variants that disrupt the consensus splice site are a relatively common cause of aberrant splicing (PMID: 17576681, 9536098). Algorithms developed to predict the effect of sequence changes on RNA splicing suggest that this variant is not likely to affect RNA splicing. In summary, the available evidence is currently insufficient to determine the role of this variant in disease. Therefore, it has been classified as a Variant of Uncertain Significance.

Color Diagnostics, LLC DBA Color Health
Classification: Uncertain significance for Hereditary cancer-predisposing syndrome. Last evaluated: 2025-06-11. Review status: criteria provided, single submitter. Criteria: ACMG Guidelines, 2015. Collection method: clinical testing. Allele origin: germline.
Comment: This variant causes a G to C nucleotide substitution at the +6 position of intron 2 of the MUTYH gene. To our knowledge, RNA studies have not been reported for this variant. This variant has not been reported in individuals affected with MUTYH-related disorders in the literature. This variant has been identified in 2/282826 chromosomes in the general population by the Genome Aggregation Database (gnomAD). The available evidence is insufficient to determine the role of this variant in disease conclusively. Therefore, this variant is classified as a Variant of Uncertain Significance.

Literature cited by the submitters: PubMed 17576681 (cited by Labcorp Genetics (formerly Invitae), Labcorp); PubMed 9536098 (cited by Labcorp Genetics (formerly Invitae), Labcorp).

NM_001048174.2(MUTYH):c.115+6G>C

Gene: MUTYH (mutY DNA glycosylase; minus strand). Cytogenetic location: 1p34.1.
Variant type: single nucleotide variant.
Coding change: c.115+6G>C on transcript NM_001048174.2 (MANE Select); 6 bases into the intron after coding-DNA position 115, G replaced by C.
Molecular consequence: intron variant.
Genome position (GRCh38, 1-based): chr1:45,334,385, C>G on the plus strand (G>C on the coding strand, the complement: MUTYH is on the minus strand). VCF-style: chr1-45334385-C-G. GRCh37 (hg19) VCF-style: chr1-45800057-C-G.
Other names: c.-93+6G>C (NM_001350651.2); c.-98+6G>C (NM_001293192.2, NM_001293196.2); c.-157+6G>C (NM_001350650.2); c.115+6G>C (NM_001048171.2, NM_001048173.2, NM_001048172.2 and 2 more transcripts); c.157+6G>C (NM_001293190.2, NM_012222.3, NM_001128425.2).
Identifiers: ClinVar variation 1053329 (VCV001053329.9), dbSNP rs377223870, ClinGen allele CA055568.